The following is an entry in ClinVar:

ClinVar aggregate classification (germline): Uncertain significance. Review status: criteria provided, multiple submitters, no conflicts (2 of 4 stars). 2 submissions from 2 submitters: Uncertain significance (2). Last evaluated 2024-12-08.

Conditions:
Neutropenia, severe congenital, 2, autosomal dominant. Identifiers: Orphanet 486, MedGen C2751288, MONDO:0013139, OMIM 613107.

Allele frequency attached by ClinVar (database versions not stated): gnomAD exomes 0.00001 and 0.00004; gnomAD 0.00002; TOPMed 0.00005.
gnomAD v4.1: 11 of 1,517,260 alleles (0.00072%); highest among the groups gnomAD compares: East Asian, 0.02%; no homozygotes.

Submissions (2):

Ambry Genetics
Classification: Uncertain significance. Last evaluated: 2024-12-08. Review status: criteria provided, single submitter. Criteria: Ambry Variant Classification Scheme 2023. Collection method: clinical testing. Allele origin: germline.
Comment: The p.G169V variant (also known as c.506G>T), located in coding exon 3 of the GFI1 gene, results from a G to T substitution at nucleotide position 506. The glycine at codon 169 is replaced by valine, an amino acid with dissimilar properties. This amino acid position is conserved. In addition, this alteration is predicted to be tolerated by in silico analysis. Based on the available evidence, the clinical significance of this variant remains unclear.

Labcorp Genetics (formerly Invitae), Labcorp
Classification: Uncertain significance for Neutropenia, severe congenital, 2, autosomal dominant. Last evaluated: 2023-08-04. Review status: criteria provided, single submitter. Criteria: Invitae Variant Classification Sherloc (09022015). Collection method: clinical testing. Allele origin: germline.
Comment: This sequence change replaces glycine, which is neutral and non-polar, with valine, which is neutral and non-polar, at codon 169 of the GFI1 protein (p.Gly169Val). This variant is present in population databases (no rsID available, gnomAD 0.04%). This variant has not been reported in the literature in individuals affected with GFI1-related conditions. ClinVar contains an entry for this variant (Variation ID: 1063539). Advanced modeling of protein sequence and biophysical properties (such as structural, functional, and spatial information, amino acid conservation, physicochemical variation, residue mobility, and thermodynamic stability) performed at Invitae indicates that this missense variant is not expected to disrupt GFI1 protein function. In summary, the available evidence is currently insufficient to determine the role of this variant in disease. Therefore, it has been classified as a Variant of Uncertain Significance.

NM_005263.5(GFI1):c.506G>T (p.Gly169Val)

Gene: GFI1 (growth factor independent 1 transcriptional repressor; minus strand). Cytogenetic location: 1p22.1.
Variant type: single nucleotide variant.
Coding change: c.506G>T on transcript NM_005263.5 (MANE Select); coding-DNA position 506, G replaced by T.
Protein change: p.Gly169Val; replaces glycine 169 with valine.
Molecular consequence: missense variant.
Genome position (GRCh38, 1-based): chr1:92,480,881, C>A on the plus strand (G>T on the coding strand, the complement: GFI1 is on the minus strand). VCF-style: chr1-92480881-C-A. GRCh37 (hg19) VCF-style: chr1-92946438-C-A.
Other names: c.506G>T (NM_005263.3); c.506G>T, p.Gly169Val (NM_001127215.3, NM_001127216.3); short protein forms G169V.
Identifiers: ClinVar variation 1063539 (VCV001063539.10), dbSNP rs1463895728, ClinGen allele CA341149695.